The following is an entry in ClinVar:

ClinVar aggregate classification (germline): Conflicting classifications of pathogenicity. Review status: criteria provided, conflicting classifications (1 of 4 stars). 2 submissions from 2 submitters: Pathogenic (1); Uncertain significance (1). Last evaluated 2026-08-13.

Conditions:
Medium-chain acyl-coenzyme A dehydrogenase deficiency (ACADMD). Also called: MCADH DEFICIENCY; MCADD; Medium chain acyl-CoA dehydrogenase deficiency; ACADM DEFICIENCY; CARNITINE DEFICIENCY SECONDARY TO MEDIUM-CHAIN ACYL-CoA DEHYDROGENASE DEFICIENCY; MCAD Deficiency. Identifiers: Orphanet 42, MedGen C0220710, MONDO:0008721, OMIM 201450.

Submissions (2):

Myriad Genetics, Inc.
Classification: Uncertain significance for Medium-chain acyl-coenzyme A dehydrogenase deficiency. Last evaluated: 2026-08-13. Review status: criteria provided, single submitter. Criteria: Myriad Autosomal Dominant, Autosomal Recessive and X-Linked Classification Criteria (2023). Collection method: clinical testing. Allele origin: unknown.
Comment: NM_000016.4(ACADM):c.443G>T(R148I) is a missense variant classified as a variant of uncertain significance in the context of medium-chain acyl-CoA dehydrogenase deficiency. R148I has not been observed in cases with relevant disease. Relevant functional assessments of this variant are not available in the literature. R148I has not been observed in referenced population frequency databases. In summary, there is insufficient evidence to classify NM_000016.4(ACADM):c.443G>T(R148I) as pathogenic or benign. Please note: this variant was assessed in the context of healthy population screening.

Labcorp Genetics (formerly Invitae), Labcorp
Classification: Pathogenic for Medium-chain acyl-coenzyme A dehydrogenase deficiency. Last evaluated: 2023-06-13. Review status: criteria provided, single submitter. Criteria: Invitae Variant Classification Sherloc (09022015). Collection method: clinical testing. Allele origin: germline.
Comment: This sequence change replaces arginine, which is basic and polar, with isoleucine, which is neutral and non-polar, at codon 148 of the ACADM protein (p.Arg148Ile). This variant is not present in population databases (gnomAD no frequency). This missense change has been observed in individual(s) with clinical features of medium chain acyl-CoA dehydrogenase deficiency (Invitae). ClinVar contains an entry for this variant (Variation ID: 2420682). Advanced modeling of protein sequence and biophysical properties (such as structural, functional, and spatial information, amino acid conservation, physicochemical variation, residue mobility, and thermodynamic stability) performed at Invitae indicates that this missense variant is expected to disrupt ACADM protein function. This variant disrupts the p.Arg148 amino acid residue in ACADM. Other variant(s) that disrupt this residue have been determined to be pathogenic (PMID: 20036593, 20434380, 22848008). This suggests that this residue is clinically significant, and that variants that disrupt this residue are likely to be disease-causing. For these reasons, this variant has been classified as Pathogenic.

Literature cited by the submitters: PubMed 20036593 (cited by Labcorp Genetics (formerly Invitae), Labcorp); PubMed 20434380 (cited by Labcorp Genetics (formerly Invitae), Labcorp); PubMed 22848008 (cited by Labcorp Genetics (formerly Invitae), Labcorp).

NM_000016.6(ACADM):c.443G>T (p.Arg148Ile)

Gene: ACADM (acyl-CoA dehydrogenase medium chain; plus strand). Cytogenetic location: 1p31.1.
Variant type: single nucleotide variant.
Coding change: c.443G>T on transcript NM_000016.6 (MANE Select); coding-DNA position 443, G replaced by T.
Protein change: p.Arg148Ile; replaces arginine 148 with isoleucine.
Molecular consequence: missense variant. On other transcripts: intron variant (1).
Genome position (GRCh38, 1-based): chr1:75,734,846, G>T. VCF-style: chr1-75734846-G-T. GRCh37 (hg19) VCF-style: chr1-76200531-G-T.
Other names: c.455G>T, p.Arg152Ile (NM_001127328.3); c.335G>T, p.Arg112Ile (NM_001286042.2); c.542G>T, p.Arg181Ile (NM_001286043.2); c.-100+1924G>T (NM_001286044.2); short protein forms R112I, R148I, R152I, R181I.
Identifiers: ClinVar variation 2420682 (VCV002420682.7), dbSNP rs778906552, ClinGen allele CA340812949.